The following is an entry in ClinVar:

ClinVar aggregate classification (germline): Uncertain significance (1 of 4 stars; one submission).

Conditions:
Long QT syndrome (LQTS). Identifiers: MedGen C0023976, MeSH D008133, MONDO:0002442. Disease mechanism: loss of function. Inheritance: Various modes of inheritance.

Submission:

All of Us Research Program, National Institutes of Health
Classification: Uncertain significance for Long QT syndrome. Last evaluated: 2023-05-16. Review status: criteria provided, single submitter. Criteria: ACMG Guidelines, 2015. Collection method: clinical testing. Allele origin: germline. Inheritance: Autosomal dominant inheritance. Observed: 1 variant allele, 1 heterozygote.
Comment: This missense variant replaces glycine with aspartic acid at codon 1006 of the KCNH2 protein. Computational prediction is inconclusive regarding the impact of this variant on protein structure and function (internally defined REVEL score threshold 0.5 < inconclusive < 0.7, PMID: 27666373). To our knowledge, functional studies have not been reported for this variant. This variant has not been reported in individuals affected with KCNH2-related disorders in the literature. This variant has not been identified in the general population by the Genome Aggregation Database (gnomAD). The available evidence is insufficient to determine the role of this variant in disease conclusively. Therefore, this variant is classified as a Variant of Uncertain Significance.

This study involves interpretation of variants in research participants for the purpose of population health screening. Participant phenotype was not available at the time of variant classification. Additional details can be found in publication PMID: 35346344, PMCID: PMC8962531

NM_000238.4(KCNH2):c.3017G>A (p.Gly1006Asp)

Gene: KCNH2 (potassium voltage-gated channel subfamily H member 2; minus strand). Cytogenetic location: 7q36.1.
Variant type: single nucleotide variant.
Coding change: c.3017G>A on transcript NM_000238.4 (MANE Select); coding-DNA position 3017, G replaced by A.
Protein change: p.Gly1006Asp; replaces glycine 1006 with aspartic acid.
Molecular consequence: missense variant. On other transcripts: non-coding transcript variant (2).
Genome position (GRCh38, 1-based): chr7:150,947,463, C>T on the plus strand (G>A on the coding strand, the complement: KCNH2 is on the minus strand). VCF-style: chr7-150947463-C-T. GRCh37 (hg19) VCF-style: chr7-150644551-C-T.
Other names: c.2729G>A, p.Gly910Asp (NM_001406753.1); c.1997G>A, p.Gly666Asp (NM_172057.3); short protein forms G1006D, G666D, G910D.
Identifiers: ClinVar variation 3071021 (VCV003071021.1), dbSNP rs774570498, ClinGen allele CA369852914.
Genomic context (GRCh38, chr7:150,947,463, plus strand): 5'-GGGATGTTGAGGAGGCTGGGGGTGGGGGCGGGGCATCGAGGGAGCTCCTGGTACTGGCGG[C>T]CCCGACTGTCCCCCCAGAAGCTGAAAATGTTGGACACTCCTGAGAAGGCGCCTGCAGCCA-3'
Protein context (NP_000229.1, residues 996-1016): NIFSFWGDSR[Gly1006Asp]RQYQELPRCP